The following is an entry in ClinVar:

ClinVar aggregate classification (germline): Pathogenic. Review status: criteria provided, multiple submitters, no conflicts (2 of 4 stars). 2 submissions from 2 submitters: Pathogenic (2). Last evaluated 2025-08-20.

Conditions:
Osteogenesis imperfecta type I (OI1). Also called: Osteogenesis imperfecta type 1; Classic Non-deforming Osteogenesis Imperfecta with Blue Sclerae; Lobstein's Disease; OI, TYPE I; OSTEOGENESIS IMPERFECTA TARDA; OSTEOGENESIS IMPERFECTA WITH BLUE SCLERAE. Identifiers: Orphanet 216796, Orphanet 666, MedGen C0023931, MONDO:0008146, OMIM 166200. Disease mechanism: loss of function.

Submissions (2):

Labcorp Genetics (formerly Invitae), Labcorp
Classification: Pathogenic for Osteogenesis imperfecta type I. Last evaluated: 2025-08-20. Review status: criteria provided, single submitter. Criteria: Invitae Variant Classification Sherloc (09022015). Collection method: clinical testing. Allele origin: germline.
Comment: This sequence change affects a donor splice site in intron 23 of the COL1A1 gene. It is expected to disrupt RNA splicing. Variants that disrupt the donor or acceptor splice site typically lead to a loss of protein function (PMID: 16199547), and loss-of-function variants in COL1A1 are known to be pathogenic (PMID: 7942841, 9295084, 9443882). This variant is not present in population databases (gnomAD no frequency). Disruption of this splice site has been observed in individuals with osteogenesis imperfecta (PMID: 17078022, 25963598; internal data). ClinVar contains an entry for this variant (Variation ID: 585494). Algorithms developed to predict the effect of sequence changes on RNA splicing suggest that this variant may disrupt the consensus splice site. For these reasons, this variant has been classified as Pathogenic.

Athena Diagnostics
Classification: Pathogenic. Last evaluated: 2017-12-28. Review status: criteria provided, single submitter. Criteria: Athena Diagnostics Criteria. Collection method: clinical testing. Allele origin: germline.

Literature cited by the submitters: PubMed 16199547 (cited by Labcorp Genetics (formerly Invitae), Labcorp); PubMed 7942841 (cited by Labcorp Genetics (formerly Invitae), Labcorp); PubMed 9295084 (cited by Labcorp Genetics (formerly Invitae), Labcorp); PubMed 9443882 (cited by Labcorp Genetics (formerly Invitae), Labcorp); PubMed 17078022 (cited by Labcorp Genetics (formerly Invitae), Labcorp); PubMed 25963598 (cited by Labcorp Genetics (formerly Invitae), Labcorp and Athena Diagnostics).

NM_000088.4(COL1A1):c.1614+1G>C

Gene: COL1A1 (collagen type I alpha 1 chain; minus strand). Cytogenetic location: 17q21.33.
Variant type: single nucleotide variant.
Coding change: c.1614+1G>C on transcript NM_000088.4 (MANE Select); the canonical splice donor site of the intron after coding-DNA position 1614, G replaced by C.
Molecular consequence: splice donor variant.
Genome position (GRCh38, 1-based): chr17:50,194,348, C>G on the plus strand (G>C on the coding strand, the complement: COL1A1 is on the minus strand). VCF-style: chr17-50194348-C-G. GRCh37 (hg19) VCF-style: chr17-48271709-C-G.
Identifiers: ClinVar variation 585494 (VCV000585494.11), dbSNP rs72648357, ClinGen allele CA400216268.